The following is an entry in ClinVar:

ClinVar aggregate classification (germline): Pathogenic. Review status: criteria provided, multiple submitters, no conflicts (2 of 4 stars). 2 submissions from 2 submitters: Pathogenic (2). Last evaluated 2025-06-11.

Conditions:
Hereditary cancer-predisposing syndrome. Also called: Hereditary Cancer Syndrome; Neoplastic Syndromes, Hereditary; Tumor predisposition; Hereditary neoplastic syndrome. Identifiers: Orphanet 140162, MedGen C0027672, MeSH D009386, MONDO:0015356.
Familial cancer of breast. Also called: BREAST CANCER, FAMILIAL; Hereditary breast cancer; hereditary breast carcinoma. Identifiers: Orphanet 227535, MedGen C0346153, MONDO:0016419, OMIM 114480. Disease mechanism: loss of function.

Allele frequency attached by ClinVar (database versions not stated): gnomAD 0.00001.

Submissions (2):

Labcorp Genetics (formerly Invitae), Labcorp
Classification: Pathogenic for Familial cancer of breast. Last evaluated: 2025-06-11. Review status: criteria provided, single submitter. Criteria: Invitae Variant Classification Sherloc (09022015). Collection method: clinical testing. Allele origin: germline.
Comment: This sequence change creates a premature translational stop signal (p.Gly505Trpfs*20) in the BARD1 gene. It is expected to result in an absent or disrupted protein product. Loss-of-function variants in BARD1 are known to be pathogenic (PMID: 20077502, 21344236). This variant is not present in population databases (gnomAD no frequency). This variant has not been reported in the literature in individuals affected with BARD1-related conditions. ClinVar contains an entry for this variant (Variation ID: 481393). For these reasons, this variant has been classified as Pathogenic.

Ambry Genetics
Classification: Pathogenic for Hereditary cancer-predisposing syndrome. Last evaluated: 2022-03-30. Review status: criteria provided, single submitter. Criteria: Ambry Variant Classification Scheme 2023. Collection method: clinical testing. Allele origin: germline.
Comment: The c.1512dupT pathogenic mutation, located in coding exon 6 of the BARD1 gene, results from a duplication of T at nucleotide position 1512, causing a translational frameshift with a predicted alternate stop codon (p.G505Wfs*20). This variant is considered to be rare based on population cohorts in the Genome Aggregation Database (gnomAD). This alteration is expected to result in loss of function by premature protein truncation or nonsense-mediated mRNA decay. As such, this alteration is interpreted as a disease-causing mutation.

Literature cited by the submitters: PubMed 20077502 (cited by Labcorp Genetics (formerly Invitae), Labcorp); PubMed 21344236 (cited by Labcorp Genetics (formerly Invitae), Labcorp).

NM_000465.4(BARD1):c.1512dup (p.Gly505fs)

Gene: BARD1 (BRCA1 associated RING domain 1; minus strand). Cytogenetic location: 2q35.
Variant type: Duplication.
Coding change: c.1512dup on transcript NM_000465.4 (MANE Select); coding-DNA position 1512, one base duplicated (T; older notation c.1512dupT).
Protein change: p.Gly505fs; shifts the reading frame from glycine 505.
Molecular consequence: frameshift variant. On other transcripts: non-coding transcript variant (3), intron variant (3).
Genome position (GRCh38, 1-based): chr2:214,767,538, A duplicated on the plus strand (T on the coding strand, the reverse complement: BARD1 is on the minus strand). VCF-style (leftmost placement, unchanged base first): chr2-214767537-C-CA. GRCh37 (hg19) VCF-style: chr2-215632261-C-CA.
Other names: c.1455dup, p.Gly486fs (NM_001282543.2); c.159-14983dup (NM_001282548.2); c.216-14983dup (NM_001282545.2); c.364+24759dup (NM_001282549.2); c.1512dupT (NM_000465.2, NM_000465.3); short protein forms G505fs, G486fs.
Identifiers: ClinVar variation 481393 (VCV000481393.13), dbSNP rs1553619249, ClinGen allele CA658657232.
Genomic context (GRCh38, chr2:214,767,537, plus strand): 5'-CTTACACAGCATTTCTGGAGGCTCCATAGGAAAGTAACAGCTTGACTATATCCACATGCC[C>CA]ATTCTTGGCTGCATCGTGAAGTGGTGAGTCATTTTGATACCCGGTGGTGTTCACCAATGC-3'